The following is an entry in ClinVar:

ClinVar aggregate classification (germline): Conflicting classifications of pathogenicity. Review status: criteria provided, conflicting classifications (1 of 4 stars). 2 submissions from 2 submitters: Uncertain significance (1); Likely benign (1). Last evaluated 2025-09-12.

Conditions:
Hereditary cancer-predisposing syndrome. Also called: Neoplastic Syndromes, Hereditary; Hereditary neoplastic syndrome; Tumor predisposition; Hereditary Cancer Syndrome. Identifiers: Orphanet 140162, MedGen C0027672, MeSH D009386, MONDO:0015356.
Gastrointestinal stromal tumor. Also called: Gastrointestinal stromal tumor, somatic; Gastrointestinal stroma tumor. Identifiers: Orphanet 44890, MedGen C0238198, MeSH D046152, MONDO:0011719, OMIM 606764, HP:0100723.

Submissions (2):

Ambry Genetics
Classification: Likely benign for Hereditary cancer-predisposing syndrome. Last evaluated: 2025-09-12. Review status: criteria provided, single submitter. Criteria: Ambry Variant Classification Scheme 2023. Collection method: clinical testing. Allele origin: germline.

Labcorp Genetics (formerly Invitae), Labcorp
Classification: Uncertain significance for Gastrointestinal stromal tumor. Last evaluated: 2023-12-17. Review status: criteria provided, single submitter. Criteria: Invitae Variant Classification Sherloc (09022015). Collection method: clinical testing. Allele origin: germline.
Comment: This sequence change replaces alanine, which is neutral and non-polar, with threonine, which is neutral and polar, at codon 191 of the PDGFRA protein (p.Ala191Thr). This variant is not present in population databases (gnomAD no frequency). This variant has not been reported in the literature in individuals affected with PDGFRA-related conditions. Algorithms developed to predict the effect of missense changes on protein structure and function output the following: SIFT: "Not Available"; PolyPhen-2: "Benign"; Align-GVGD: "Not Available". The threonine amino acid residue is found in multiple mammalian species, which suggests that this missense change does not adversely affect protein function. In summary, the available evidence is currently insufficient to determine the role of this variant in disease. Therefore, it has been classified as a Variant of Uncertain Significance.

NM_006206.6(PDGFRA):c.571G>A (p.Ala191Thr)

Gene: PDGFRA (platelet derived growth factor receptor alpha; plus strand). Cytogenetic location: 4q12.
Variant type: single nucleotide variant.
Coding change: c.571G>A on transcript NM_006206.6 (MANE Select); coding-DNA position 571, G replaced by A.
Protein change: p.Ala191Thr; replaces alanine 191 with threonine.
Molecular consequence: missense variant.
Genome position (GRCh38, 1-based): chr4:54,263,870, G>A. VCF-style: chr4-54263870-G-A. GRCh37 (hg19) VCF-style: chr4-55130037-G-A.
Other names: c.571G>A, p.Ala191Thr (NM_001347827.2, NM_001347829.2); c.646G>A, p.Ala216Thr (NM_001347828.2); c.610G>A, p.Ala204Thr (NM_001347830.2); short protein forms A191T, A204T, A216T.
Identifiers: ClinVar variation 2703640 (VCV002703640.4), dbSNP rs267600185, ClinGen allele CA96849206.
Genomic context (GRCh38, chr4:54,263,870, plus strand): 5'-TCCTACGACAGCAGACAGGGCTTTAATGGGACCTTCACTGTAGGGCCCTATATCTGTGAG[G>A]CCACCGTCAAAGGAAAGAAGTTCCAGACCATCCCATTTAATGTTTATGCTTTAAAAGGTA-3'
Protein context (NP_006197.1, residues 181-201): TFTVGPYICE[Ala191Thr]TVKGKKFQTI